The following is an entry in ClinVar:

ClinVar aggregate classification (germline): Pathogenic. Review status: criteria provided, multiple submitters, no conflicts (2 of 4 stars). 3 submissions from 3 submitters: Pathogenic (2). 1 of the submissions does not count toward it. Last evaluated 2020-08-24.

Conditions:
QDPR-related disorder. Also called: QDPR-related condition.
Dihydropteridine reductase deficiency (HPABH4C). Also called: DHPR DEFICIENCY; BH4-Deficient Hyperphenylalaninemia C; QDPR DEFICIENCY; QUINOID DIHYDROPTERIDINE REDUCTASE DEFICIENCY; Hyperphenylalaninemia due to dihydropteridine reductase deficiency; Hyperphenylalaninemia, BH-4-deficient, C. Identifiers: Orphanet 226, Orphanet 238583, MedGen C0268465, MONDO:0009862, OMIM 261630.

Allele frequency attached by ClinVar (database versions not stated): gnomAD exomes below 0.00001.
gnomAD v4.1: 4 of 1,614,122 alleles (0.00025%); highest among the groups gnomAD compares: Middle Eastern, 0.016%; no homozygotes.

Submissions (3):

GeneDx
Classification: Pathogenic. Last evaluated: 2020-08-24. Review status: criteria provided, single submitter. Criteria: GeneDx Variant Classification Process June 2021. Collection method: clinical testing. Allele origin: germline. Affected: yes.
Comment: Not observed in large population cohorts (Lek et al., 2016); Missense variants in this gene are often considered pathogenic (Stenson et al., 2014); In silico analysis supports that this missense variant has a deleterious effect on protein structure/function; This variant is associated with the following publications: (PMID: 31589614, 31980526, 11153907, 9744478, 16917893, 22325981, 10896287, 27246466, 21890392)

Blueprint Genetics
Classification: Pathogenic for QDPR-related disorders. Last evaluated: 2020-04-02. Review status: criteria provided, single submitter. Criteria: ACMG Guidelines, 2015. Collection method: clinical testing. Allele origin: germline. Affected: yes. Observed: 1 variant allele.

OMIM
Classification: Pathogenic for HYPERPHENYLALANINEMIA, BH4-DEFICIENT, C. Last evaluated: 1998-01-01. Review status: no assertion criteria provided. Collection method: literature only. Allele origin: germline. Not counted in ClinVar's aggregate classification.

Literature cited by the submitters: PubMed 9744478 (cited by OMIM).

NM_000320.3(QDPR):c.449A>G (p.Tyr150Cys)

Gene: QDPR (quinoid dihydropteridine reductase; minus strand). Cytogenetic location: 4p15.32.
Variant type: single nucleotide variant.
Coding change: c.449A>G on transcript NM_000320.3 (MANE Select); coding-DNA position 449, A replaced by G.
Protein change: p.Tyr150Cys; replaces tyrosine 150 with cysteine.
Molecular consequence: missense variant.
Genome position (GRCh38, 1-based): chr4:17,492,328, T>C on the plus strand (A>G on the coding strand, the complement: QDPR is on the minus strand). VCF-style: chr4-17492328-T-C. GRCh37 (hg19) VCF-style: chr4-17493951-T-C.
Other names: c.356A>G, p.Tyr119Cys (NM_001306140.2); short protein forms Y150C, Y119C.
Identifiers: ClinVar variation 494 (VCV000000494.5), dbSNP rs104893866, ClinGen allele CA114327.